The following is an entry in ClinVar:

ClinVar aggregate classification (germline): Uncertain significance. Review status: criteria provided, multiple submitters, no conflicts (2 of 4 stars). 2 submissions from 2 submitters: Uncertain significance (2). Last evaluated 2023-06-07.

Conditions:
Fanconi anemia (FA). Also called: Fanconi's anemia. Identifiers: Orphanet 84, MedGen C0015625, MeSH D005199, MONDO:0019391.
Fanconi anemia complementation group D2. Also called: FANCD2-Related Fanconi Anemia; FANCONI PANCYTOPENIA, TYPE 4; FANCONI ANEMIA, COMPLEMENTATION GROUP D. Identifiers: Orphanet 84, MedGen C3160738, MONDO:0009214, OMIM 227646.

Allele frequency attached by ClinVar (database versions not stated): gnomAD exomes below 0.00001 and 0.00001; gnomAD 0.00001; TOPMed 0.00001.

Submissions (2):

Labcorp Genetics (formerly Invitae), Labcorp
Classification: Uncertain significance for Fanconi anemia. Last evaluated: 2023-06-07. Review status: criteria provided, single submitter. Criteria: Invitae Variant Classification Sherloc (09022015). Collection method: clinical testing. Allele origin: germline.
Comment: This variant is present in population databases (no rsID available, gnomAD 0.007%). In summary, the available evidence is currently insufficient to determine the role of this variant in disease. Therefore, it has been classified as a Variant of Uncertain Significance. ClinVar contains an entry for this variant (Variation ID: 241739). This variant has not been reported in the literature in individuals affected with FANCD2-related conditions. This sequence change creates a premature translational stop signal (p.Glu1435Hisfs*2) in the FANCD2 gene. While this is not anticipated to result in nonsense mediated decay, it is expected to disrupt the last 37 amino acid(s) of the FANCD2 protein.

Fulgent Genetics
Classification: Uncertain significance for Fanconi anemia complementation group D2. Last evaluated: 2022-01-10. Review status: criteria provided, single submitter. Criteria: ACMG Guidelines, 2015. Collection method: clinical testing. Allele origin: unknown.

NM_001018115.3(FANCD2):c.4281+22_4281+29del

Genes: FANCD2 (FA complementation group D2; plus strand), FANCD2OS (FANCD2 opposite strand; minus strand). Cytogenetic location: 3p25.3.
Variant type: Deletion.
Coding change: c.4281+22_4281+29del on transcript NM_001018115.3 (MANE Select); bases 22 to 29 of the intron after coding-DNA position 4281, 8 bases deleted (GAGTCTGG; older notation c.4281+22_4281+29delGAGTCTGG).
Molecular consequence: intron variant. On other transcripts: frameshift variant (2).
Genome position (GRCh38, 1-based): chr3:10,098,837-10,098,844, GAGTCTGG deleted. VCF-style (leftmost placement, unchanged base first): chr3-10098836-AGAGTCTGG-A. GRCh37 (hg19) VCF-style: chr3-10140520-AGAGTCTGG-A.
Other names: c.4264_4271del, p.Glu1422fs (NM_001374254.1); c.4303_4310del, p.Glu1435fs (NM_033084.6); c.4281+22_4281+29del (NM_001319984.2); c.4170+22_4170+29del (NM_001374253.1); c.*43+5354_*43+5361del (NM_173472.2); short protein forms E1435fs, E1422fs.
Identifiers: ClinVar variation 241739 (VCV000241739.9), dbSNP rs878855172, ClinGen allele CA10582109.